The following is an entry in ClinVar:

NC_000001.11:g.(?_17018875)_(17033151_?)del

Genes: SDHB (succinate dehydrogenase complex iron sulfur subunit B; minus strand), LOC129929541 (ATAC-STARR-seq lymphoblastoid active region 276; plus strand). Cytogenetic location: 1p36.13.
Variant type: Deletion.
Identifiers: ClinVar variation 583909 (VCV000583909.1).

ClinVar aggregate classification (germline): Pathogenic (1 of 4 stars; one submission).

Conditions:
Pheochromocytoma. Also called: MAX-Related Hereditary Paraganglioma-Pheochromocytoma Syndrome. Identifiers: Orphanet 29072, MedGen C0031511, MONDO:0008233, OMIM 171300, HP:0002666.
Pheochromocytoma/paraganglioma syndrome 4. Also called: PARAGANGLIOMA, FAMILIAL MALIGNANT; PARAGANGLIOMAS, HEREDITARY EXTRAADRENAL; PHEOCHROMOCYTOMA, FAMILIAL EXTRAADRENAL; SDHB-Related Hereditary Paraganglioma-Pheochromocytoma Syndrome (Paragangliomas 4); CAROTID BODY TUMORS AND MULTIPLE EXTRAADRENAL PHEOCHROMOCYTOMAS; SDHB-Related Hereditary Paraganglioma-Pheochromocytoma Syndrome. Identifiers: Orphanet 29072, MedGen C1861848, MONDO:0007273, OMIM 115310.
Gastrointestinal stromal tumor. Also called: Gastrointestinal stromal tumor, somatic; Gastrointestinal stroma tumor. Identifiers: Orphanet 44890, MedGen C0238198, MeSH D046152, MONDO:0011719, OMIM 606764, HP:0100723.

Submission:

Labcorp Genetics (formerly Invitae), Labcorp
Classification: Pathogenic for Gastrointestinal stroma tumor; Paragangliomas 4; Pheochromocytoma. Last evaluated: 2018-01-26. Review status: criteria provided, single submitter. Criteria: Invitae Variant Classification Sherloc (09022015). Collection method: clinical testing. Allele origin: germline.
Comment: This variant is a gross deletion of the genomic region encompassing exons 3-8 of the SDHB gene. The 5' boundary is likely confined to intron 2. The 3' end of this event is unknown as it extends through the termination codon beyond the assayed region for this gene and may encompass additional genes. While this deletion is not anticipated to result in nonsense mediated decay, it is expected to create a truncated protein product or disrupt mRNA translation. This variant has not been reported in the literature in individuals with an SDHB-related disease. Smaller exonic deletions within exons 3-8 have been reported in individuals affected with paraganglioma and/or pheochromocytoma (PMID: 19029228, 22517554, 24977658). Furthermore, several missense substitutions between exons 3-8 have been determined to be pathogenic, including p.Trp200Cys (PMID: 20119652, 22835832), p.Cys196Tyr (PMID: 21172883, 19064958), and p.Val140Phe (PMID: 20583550, 20503330). This suggests that this region is critical for SDHB protein function. For these reasons, this variant has been classified as Pathogenic.

Literature cited by the submitters: PubMed 19029228; PubMed 24977658; PubMed 19064958; PubMed 22517554; PubMed 20583550; PubMed 22835832; PubMed 20119652; PubMed 21172883; PubMed 20503330.